The following is an entry in ClinVar:

ClinVar aggregate classification (germline): Uncertain significance (1 of 4 stars; one submission).

Conditions:
Hereditary spastic paraplegia 11. Also called: Spastic Paraplegia 11; SPASTIC PARAPLEGIA, AUTOSOMAL RECESSIVE, COMPLICATED, WITH THIN CORPUS CALLOSUM; SPASTIC PARAPLEGIA, AUTOSOMAL RECESSIVE, WITH MENTAL IMPAIRMENT AND THIN CORPUS CALLOSUM; Spastic paraplegia, mental retardation and thin corpus callosum; Nakamura Osame syndrome; Autosomal recessive hereditary spastic paraplegia, mental impairment, and thin corpus callosum. Identifiers: Orphanet 2822, MedGen C1858479, MONDO:0011445, OMIM 604360.

gnomAD v4.1: 1 of 1,614,204 alleles (0.000062%); highest among the groups gnomAD compares: Non-Finnish European, 0.000085%; no homozygotes.

Submission:

Labcorp Genetics (formerly Invitae), Labcorp
Classification: Uncertain significance for Hereditary spastic paraplegia 11. Last evaluated: 2022-03-18. Review status: criteria provided, single submitter. Criteria: Invitae Variant Classification Sherloc (09022015). Collection method: clinical testing. Allele origin: germline.
Comment: This sequence change replaces methionine, which is neutral and non-polar, with valine, which is neutral and non-polar, at codon 460 of the SPG11 protein (p.Met460Val). This variant is not present in population databases (gnomAD no frequency). This variant has not been reported in the literature in individuals affected with SPG11-related conditions. ClinVar contains an entry for this variant (Variation ID: 1053737). Algorithms developed to predict the effect of missense changes on protein structure and function output the following: SIFT: "Tolerated"; PolyPhen-2: "Benign"; Align-GVGD: "Class C0". The valine amino acid residue is found in multiple mammalian species, which suggests that this missense change does not adversely affect protein function. In summary, the available evidence is currently insufficient to determine the role of this variant in disease. Therefore, it has been classified as a Variant of Uncertain Significance.

NM_025137.4(SPG11):c.1378A>G (p.Met460Val)

Gene: SPG11 (SPG11 vesicle trafficking associated, spatacsin; minus strand). Cytogenetic location: 15q21.1.
Variant type: single nucleotide variant.
Coding change: c.1378A>G on transcript NM_025137.4 (MANE Select); coding-DNA position 1378, A replaced by G.
Protein change: p.Met460Val; replaces methionine 460 with valine.
Molecular consequence: missense variant.
Genome position (GRCh38, 1-based): chr15:44,651,569, T>C on the plus strand (A>G on the coding strand, the complement: SPG11 is on the minus strand). VCF-style: chr15-44651569-T-C. GRCh37 (hg19) VCF-style: chr15-44943767-T-C.
Other names: c.1378A>G, p.Met460Val (NM_001160227.2); short protein forms M460V.
Identifiers: ClinVar variation 1053737 (VCV001053737.9), dbSNP rs2141106039, ClinGen allele CA392235972.